The following is an entry in ClinVar:

ClinVar aggregate classification (germline): Conflicting classifications of pathogenicity. Review status: criteria provided, conflicting classifications (1 of 4 stars). 2 submissions from 2 submitters: Uncertain significance (1); Likely benign (1). Last evaluated 2025-12-31.

Conditions:
Cardiovascular phenotype. Identifiers: MedGen CN230736.
Hypertrophic cardiomyopathy. Also called: HYPERTROPHIC MYOCARDIOPATHY. Identifiers: Orphanet 217569, MedGen C0007194, MeSH D002312, MONDO:0005045, HP:0001639.

Allele frequency attached by ClinVar (database versions not stated): gnomAD 0.00003; ExAC 0.00007; gnomAD exomes 0.00010; TOPMed 0.00003.

Submissions (2):

Labcorp Genetics (formerly Invitae), Labcorp
Classification: Likely benign for Hypertrophic cardiomyopathy. Last evaluated: 2025-12-31. Review status: criteria provided, single submitter. Criteria: Invitae Variant Classification Sherloc (09022015). Collection method: clinical testing. Allele origin: germline.

Ambry Genetics
Classification: Uncertain significance for Cardiovascular phenotype. Last evaluated: 2024-01-03. Review status: criteria provided, single submitter. Criteria: Ambry Variant Classification Scheme 2023. Collection method: clinical testing. Allele origin: germline.
Comment: The p.P105S variant (also known as c.313C>T), located in coding exon 3 of the MYOZ2 gene, results from a C to T substitution at nucleotide position 313. The proline at codon 105 is replaced by serine, an amino acid with similar properties. This amino acid position is conserved. In addition, this alteration is predicted to be tolerated by in silico analysis. Since supporting evidence is limited at this time, the clinical significance of this alteration remains unclear.

NM_016599.5(MYOZ2):c.313C>T (p.Pro105Ser)

Gene: MYOZ2 (myozenin 2; plus strand). Cytogenetic location: 4q26.
Variant type: single nucleotide variant.
Coding change: c.313C>T on transcript NM_016599.5 (MANE Select); coding-DNA position 313, C replaced by T.
Protein change: p.Pro105Ser; replaces proline 105 with serine.
Molecular consequence: missense variant.
Genome position (GRCh38, 1-based): chr4:119,158,088, C>T. VCF-style: chr4-119158088-C-T. GRCh37 (hg19) VCF-style: chr4-120079243-C-T.
Other names: short protein forms P105S.
Identifiers: ClinVar variation 525053 (VCV000525053.9), dbSNP rs748809573, ClinGen allele CA3058596.